The following is an entry in ClinVar:

ClinVar aggregate classification (germline): Pathogenic (1 of 4 stars; one submission).

Conditions:
EGFR-related lung cancer (EGFR). Identifiers: MedGen CN130014.

Submission:

Labcorp Genetics (formerly Invitae), Labcorp
Classification: Pathogenic for EGFR-related lung cancer. Last evaluated: 2024-03-06. Review status: criteria provided, single submitter. Criteria: Invitae Variant Classification Sherloc (09022015). Collection method: clinical testing. Allele origin: germline.
Comment: This sequence change creates a premature translational stop signal (p.Phe44Leufs*36) in the EGFR gene. It is expected to result in an absent or disrupted protein product. Loss-of-function variants in EGFR are known to be pathogenic (PMID: 7630400, 28726809, 29899996). This variant is not present in population databases (gnomAD no frequency). This variant has not been reported in the literature in individuals affected with EGFR-related conditions. For these reasons, this variant has been classified as Pathogenic.

Literature cited by the submitters: PubMed 7630400; PubMed 28726809; PubMed 29899996.

NM_005228.5(EGFR):c.132del (p.Phe44fs)

Gene: EGFR (epidermal growth factor receptor; plus strand). Cytogenetic location: 7p11.2.
Variant type: Deletion.
Coding change: c.132del on transcript NM_005228.5 (MANE Select); coding-DNA position 132, one base deleted (T; older notation c.132delT).
Protein change: p.Phe44fs; shifts the reading frame from phenylalanine 44.
Molecular consequence: frameshift variant. On other transcripts: 5 prime UTR variant (1), intron variant (1).
Genome position (GRCh38, 1-based): chr7:55,142,329, T deleted; the last of 4 consecutive T bases (chr7:55,142,326-55,142,329); deleting any one gives the same sequence. VCF-style (leftmost placement, unchanged base first): chr7-55142325-CT-C. GRCh37 (hg19) VCF-style: chr7-55210018-CT-C.
Other names: c.132del, p.Phe44fs (NM_001346897.2, NM_001346898.2, NM_001346899.2 and 3 more transcripts); c.-28del (NM_001346900.2); c.89-13501del (NM_001346941.2); short protein forms F44fs.
Identifiers: ClinVar variation 2812743 (VCV002812743.3), dbSNP rs2535439545, ClinGen allele CA2739266424.